The following is an entry in ClinVar:

NM_001122681.2(SH3BP2):c.1172C>T (p.Pro391Leu)

Gene: SH3BP2 (SH3 domain binding protein 2; plus strand). Cytogenetic location: 4p16.3.
Variant type: single nucleotide variant.
Coding change: c.1172C>T on transcript NM_001122681.2 (MANE Select); coding-DNA position 1172, C replaced by T.
Protein change: p.Pro391Leu; replaces proline 391 with leucine.
Molecular consequence: missense variant.
Genome position (GRCh38, 1-based): chr4:2,830,078, C>T. VCF-style: chr4-2830078-C-T. GRCh37 (hg19) VCF-style: chr4-2831805-C-T.
Other names: c.1256C>T, p.Pro419Leu (NM_001145855.2); c.1343C>T, p.Pro448Leu (NM_001145856.2); c.1172C>T, p.Pro391Leu (NM_003023.4); short protein forms P419L, P391L, P448L.
Identifiers: ClinVar variation 1902773 (VCV001902773.5), dbSNP rs756254370, ClinGen allele CA2819407.

ClinVar aggregate classification (germline): Uncertain significance (1 of 4 stars; one submission).

Conditions:
Fibrous dysplasia of jaw (CRBM). Also called: Cherubism. Identifiers: Orphanet 184, MedGen C0008029, MONDO:0007315, OMIM 118400.

Allele frequency attached by ClinVar (database versions not stated): gnomAD exomes below 0.00001; TOPMed below 0.00001; ExAC 0.00002.
gnomAD v4.1: 6 of 1,610,448 alleles (0.00037%); highest among the groups gnomAD compares: Admixed American, 0.005%; no homozygotes.

Submission:

Labcorp Genetics (formerly Invitae), Labcorp
Classification: Uncertain significance for Fibrous dysplasia of jaw. Last evaluated: 2024-02-01. Review status: criteria provided, single submitter. Criteria: Invitae Variant Classification Sherloc (09022015). Collection method: clinical testing. Allele origin: germline.
Comment: This sequence change replaces proline, which is neutral and non-polar, with leucine, which is neutral and non-polar, at codon 391 of the SH3BP2 protein (p.Pro391Leu). This variant is present in population databases (rs756254370, gnomAD 0.006%). This variant has not been reported in the literature in individuals affected with SH3BP2-related conditions. ClinVar contains an entry for this variant (Variation ID: 1902773). Advanced modeling of protein sequence and biophysical properties (such as structural, functional, and spatial information, amino acid conservation, physicochemical variation, residue mobility, and thermodynamic stability) performed at Invitae indicates that this missense variant is not expected to disrupt SH3BP2 protein function with a negative predictive value of 80%. In summary, the available evidence is currently insufficient to determine the role of this variant in disease. Therefore, it has been classified as a Variant of Uncertain Significance.